The following is an entry in ClinVar:

NM_006587.4(CORIN):c.684dup (p.Met229fs)

Gene: CORIN (corin, serine peptidase; minus strand). Cytogenetic location: 4p12.
Variant type: Duplication.
Coding change: c.684dup on transcript NM_006587.4 (MANE Select); coding-DNA position 684, one base duplicated (G; older notation c.684dupG).
Protein change: p.Met229fs; shifts the reading frame from methionine 229.
Molecular consequence: frameshift variant.
Genome position (GRCh38, 1-based): chr4:47,744,517, C duplicated on the plus strand (G on the coding strand, the reverse complement: CORIN is on the minus strand); the first of 4 consecutive C bases (chr4:47,744,517-47,744,520); duplicating any one gives the same sequence. VCF-style (leftmost placement, unchanged base first): chr4-47744516-T-TC. GRCh37 (hg19) VCF-style: chr4-47746533-T-TC.
Other names: 1-BP DUP, 684G; c.483dup, p.Met162fs (NM_001278585.2); c.684dup, p.Met229fs (NM_001278586.2); c.684dupG (NM_006587.4); short protein forms M162fs, M229fs.
Identifiers: ClinVar variation 2504113 (VCV002504113.6), dbSNP rs756399499, ClinGen allele CA2909949.
Genomic context (GRCh38, chr4:47,744,516, plus strand): 5'-TTTCAGTTTGGTTTCTAAACTGGGAGCATCTGAGGAAATCCGGCCAGGAGTAATTCACCA[T>TC]CCCCAGGACTGATTCACAGCCTTCTTTTGCAGCCTCACAGAAGGACCTACAGGGCAGGAG-3'

ClinVar aggregate classification (germline): Pathogenic. Review status: criteria provided, single submitter (1 of 4 stars). 2 submissions from 2 submitters: Pathogenic (1). 1 of the submissions does not count toward it.

Conditions:
Atrial fibrillation. Identifiers: MedGen C0004238, MONDO:0004981, HP:0005110.
Cardiomyopathy (CMYO). Also called: Cardiomyopathies. Identifiers: Orphanet 167848, MedGen C0878544, MONDO:0004994, HP:0001638. Inheritance: Various modes of inheritance.
Myocardial fibrosis. Identifiers: MedGen C0151654, HP:0001685.
Hypertensive disorder. Also called: Hypertension. Identifiers: MedGen C0020538, MONDO:0005044, HP:0000822.
Cardiomyopathy, familial hypertrophic, 30, atrial (CMH30). Identifiers: MedGen C5935586, MONDO:0958241, OMIM 620734.

Submissions (2):

Genetics Institute, Tel Aviv Sourasky Medical Center
Classification: Pathogenic for Cardiomyopathy; Atrial fibrillation; Myocardial fibrosis; Hypertensive disorder. Review status: criteria provided, single submitter. Criteria: ACMG Guidelines, 2015. Collection method: clinical testing, in vitro. Allele origin: germline, not applicable. Inheritance: Autosomal recessive inheritance. Affected: yes. Functional consequence: missing protein.
Comment: The CORIN (NM_006587.4): c.684dupG; p.Met229Aspfs*16 variant has been observed in homozygous state in two siblings with left atrial cardiomyopathy, hypertension, arrhythmia and fibrosis. Studies performed revealed no observable plasma CORIN and NT-proANP levels.

OMIM
Classification: Pathogenic for CARDIOMYOPATHY, FAMILIAL HYPERTROPHIC, 30, ATRIAL (1 family). Last evaluated: 2024-12-12. Review status: no assertion criteria provided. Collection method: literature only. Allele origin: germline. Not counted in ClinVar's aggregate classification.

Literature cited by the submitters: DOI 10.1056/NEJMoa2301908 (cited by Genetics Institute, Tel Aviv Sourasky Medical Center); PubMed 37913506 (cited by OMIM).